The following is an entry in ClinVar:

ClinVar aggregate classification (germline): Uncertain significance (1 of 4 stars; one submission).

Conditions:
Familial hypocalciuric hypercalcemia (FHH). Also called: Familial benign hypercalcemia. Identifiers: Orphanet 405, MedGen C1809471, MONDO:0018458.
Autosomal dominant hypocalcemia 1 (HYPOC1). Also called: HYPOCALCEMIA, FAMILIAL. Identifiers: MedGen C3715128, MONDO:0011013, OMIM 601198.

Submission:

Labcorp Genetics (formerly Invitae), Labcorp
Classification: Uncertain significance for Familial hypocalciuric hypercalcemia; Autosomal dominant hypocalcemia 1. Last evaluated: 2017-06-26. Review status: criteria provided, single submitter. Criteria: Invitae Variant Classification Sherloc (09022015). Collection method: clinical testing. Allele origin: germline.
Comment: This sequence change replaces leucine with arginine at codon 279 of the CASR protein (p.Leu279Arg). The leucine residue is highly conserved and there is a moderate physicochemical difference between leucine and arginine. In summary, the available evidence is currently insufficient to determine the role of this variant in disease. Therefore, it has been classified as a Variant of Uncertain Significance. Algorithms developed to predict the effect of missense changes on protein structure and function (SIFT, PolyPhen-2, Align-GVGD) all suggest that this variant is likely to be disruptive, but these predictions have not been confirmed by published functional studies and their clinical significance is uncertain. This variant has not been reported in the literature in individuals with CASR-related disease. This variant is not present in population databases (ExAC no frequency).

NM_000388.4(CASR):c.836T>G (p.Leu279Arg)

Gene: CASR (calcium sensing receptor; plus strand). Cytogenetic location: 3q21.1.
Variant type: single nucleotide variant.
Coding change: c.836T>G on transcript NM_000388.4 (MANE Select); coding-DNA position 836, T replaced by G.
Protein change: p.Leu279Arg; replaces leucine 279 with arginine.
Molecular consequence: missense variant.
Genome position (GRCh38, 1-based): chr3:122,261,871, T>G. VCF-style: chr3-122261871-T-G. GRCh37 (hg19) VCF-style: chr3-121980718-T-G.
Other names: c.836T>G, p.Leu279Arg (NM_001178065.2); short protein forms L279R.
Identifiers: ClinVar variation 463957 (VCV000463957.10), dbSNP rs1553766796, ClinGen allele CA354151460.